The following is an entry in ClinVar:

NM_004304.5(ALK):c.506A>G (p.Asn169Ser)

Gene: ALK (ALK receptor tyrosine kinase; minus strand). Cytogenetic location: 2p23.1.
Variant type: single nucleotide variant.
Coding change: c.506A>G on transcript NM_004304.5 (MANE Select); coding-DNA position 506, A replaced by G.
Protein change: p.Asn169Ser; replaces asparagine 169 with serine.
Molecular consequence: missense variant.
Genome position (GRCh38, 1-based): chr2:29,920,154, T>C on the plus strand (A>G on the coding strand, the complement: ALK is on the minus strand). VCF-style: chr2-29920154-T-C. GRCh37 (hg19) VCF-style: chr2-30143020-T-C.
Other names: short protein forms N169S.
Identifiers: ClinVar variation 538235 (VCV000538235.12), dbSNP rs752129360, ClinGen allele CA1594951.
Genomic context (GRCh38, chr2:29,920,154, plus strand): 5'-AGGCGGATCCTCAGTCGCCCTTCGCCTTGGCGAATCCACCAACTGAACAGCTCGCTGAGA[T>C]TGAACTGGAGCAGCCCCACAGCCGCCTCCCCGGGGGGCCCGACGCAACCCTCCAAGATCG-3'
Protein context (NP_004295.2, residues 159-179): GEAAVGLLQF[Asn169Ser]LSELFSWWIR

ClinVar aggregate classification (germline): Conflicting classifications of pathogenicity. Review status: criteria provided, conflicting classifications (1 of 4 stars). 4 submissions from 4 submitters: Uncertain significance (2); Benign (1); Likely benign (1). Last evaluated 2025-12-22.

Conditions:
ALK-related disorder. Also called: ALK-related condition.
Hereditary cancer-predisposing syndrome. Also called: Tumor predisposition; Hereditary neoplastic syndrome; Neoplastic Syndromes, Hereditary; Hereditary Cancer Syndrome. Identifiers: Orphanet 140162, MedGen C0027672, MeSH D009386, MONDO:0015356.
Neuroblastoma, susceptibility to, 3. Also called: ALK-Related Neuroblastic Tumor Susceptibility. Identifiers: Orphanet 635, MedGen C2751681, MONDO:0013083, OMIM 613014.

Allele frequency attached by ClinVar (database versions not stated): gnomAD exomes 0.00004 and 0.00011; gnomAD 0.00005 and 0.00004; ExAC 0.00006; TOPMed 0.00007.
gnomAD v4.1: 72 of 1,613,666 alleles (0.0045%); highest among the groups gnomAD compares: South Asian, 0.046%; 1 homozygote.

Submissions (4):

Labcorp Genetics (formerly Invitae), Labcorp
Classification: Uncertain significance for Neuroblastoma, susceptibility to, 3. Last evaluated: 2025-12-22. Review status: criteria provided, single submitter. Criteria: Invitae Variant Classification Sherloc (09022015). Collection method: clinical testing. Allele origin: germline.
Comment: This sequence change replaces asparagine, which is neutral and polar, with serine, which is neutral and polar, at codon 169 of the ALK protein (p.Asn169Ser). This variant is present in population databases (rs752129360, gnomAD 0.05%), and has an allele count higher than expected for a pathogenic variant. This variant has not been reported in the literature in individuals affected with ALK-related conditions. ClinVar contains an entry for this variant (Variation ID: 538235). An algorithm developed to predict the effect of missense changes on protein structure and function (PolyPhen-2) suggests that this variant is likely to be tolerated. In summary, the available evidence is currently insufficient to determine the role of this variant in disease. Therefore, it has been classified as a Variant of Uncertain Significance.

PreventionGenetics, part of Exact Sciences
Classification: Uncertain significance for ALK-related condition. Last evaluated: 2024-11-16. Review status: criteria provided, single submitter. Criteria: ACMG Guidelines, 2015. Collection method: clinical testing. Allele origin: germline.
Comment: The ALK c.506A>G variant is predicted to result in the amino acid substitution p.Asn169Ser. To our knowledge, this variant has not been reported in the literature. This variant is reported in 0.052% of alleles in individuals of South Asian descent in gnomAD and is reported as likely benign and uncertain in ClinVar. At this time, the clinical significance of this variant is uncertain due to the absence of conclusive functional and genetic evidence.

Ambry Genetics
Classification: Benign for Hereditary cancer-predisposing syndrome. Last evaluated: 2024-06-26. Review status: criteria provided, single submitter. Criteria: Ambry Variant Classification Scheme 2023. Collection method: clinical testing. Allele origin: germline.

Sema4
Classification: Likely benign for Hereditary cancer-predisposing syndrome. Last evaluated: 2021-11-12. Review status: criteria provided, single submitter. Criteria: Sema4 Curation Guidelines. Collection method: curation. Allele origin: germline.